The following is an entry in ClinVar:

NM_002474.3(MYH11):c.5470G>A (p.Ala1824Thr)

Genes: MYH11 (myosin heavy chain 11; minus strand), NDE1 (nudE neurodevelopment protein 1; plus strand). Cytogenetic location: 16p13.11.
Variant type: single nucleotide variant.
Coding change: c.5470G>A on transcript NM_002474.3 (MANE Select); coding-DNA position 5470, G replaced by A.
Protein change: p.Ala1824Thr; replaces alanine 1824 with threonine.
Molecular consequence: missense variant. On other transcripts: intron variant (2).
Genome position (GRCh38, 1-based): chr16:15,717,174, C>T on the plus strand (G>A on the coding strand, the complement: MYH11 is on the minus strand). VCF-style: chr16-15717174-C-T. GRCh37 (hg19) VCF-style: chr16-15811031-C-T.
Other names: c.5491G>A, p.Ala1831Thr (NM_001040113.2, NM_001040114.2); c.5470G>A, p.Ala1824Thr (NM_022844.3); c.948-7017C>T (NM_001143979.2, NM_017668.3); short protein forms A1824T, A1831T.
Identifiers: ClinVar variation 450146 (VCV000450146.62), dbSNP rs147710374, ClinGen allele CA7921262.

ClinVar aggregate classification (germline): Conflicting classifications of pathogenicity. Review status: criteria provided, conflicting classifications (1 of 4 stars). 8 submissions from 8 submitters: Uncertain significance (3); Likely benign (5). Last evaluated 2026-01-24.

Conditions:
Connective tissue disorder. Also called: Connective tissue disease. Identifiers: MedGen C0009782, MONDO:0003900.
Familial thoracic aortic aneurysm and aortic dissection (TAAD). Also called: Thoracic aortic aneurysms and dissections. Identifiers: Orphanet 91387, MedGen C4707243, MONDO:0019625.
Aortic aneurysm, familial thoracic 4 (AAT4). Also called: AORTIC ANEURYSM/AORTIC DISSECTION AND PATENT DUCTUS ARTERIOSUS. Identifiers: MedGen C1851504, MONDO:0007568, OMIM 132900.

Allele frequency attached by ClinVar (database versions not stated): ExAC 0.00008; ESP Exome Variant Server 0.00015; 1000 Genomes Project 30x 0.00016; 1000 Genomes Project 0.00020; gnomAD 0.00033 and 0.00036; TOPMed 0.00042.
gnomAD v4.1: 107 of 1,614,204 alleles (0.0066%); highest among the groups gnomAD compares: African/African-American, 0.13%; no homozygotes.

Submissions (8):

Labcorp Genetics (formerly Invitae), Labcorp
Classification: Likely benign for Aortic aneurysm, familial thoracic 4. Last evaluated: 2026-01-24. Review status: criteria provided, single submitter. Criteria: Invitae Variant Classification Sherloc (09022015). Collection method: clinical testing. Allele origin: germline.

Ambry Genetics
Classification: Uncertain significance for Familial thoracic aortic aneurysm and aortic dissection. Last evaluated: 2024-08-21. Review status: criteria provided, single submitter. Criteria: Ambry Variant Classification Scheme 2023. Collection method: clinical testing. Allele origin: germline.
Comment: The p.A1824T variant (also known as c.5470G>A), located in coding exon 37 of the MYH11 gene, results from a G to A substitution at nucleotide position 5470. The alanine at codon 1824 is replaced by threonine, an amino acid with similar properties. This amino acid position is not well conserved in available vertebrate species. In addition, this alteration is predicted to be tolerated by in silico analysis. Since supporting evidence is limited at this time, the clinical significance of this alteration remains unclear.

Blueprint Genetics
Classification: Likely benign. Last evaluated: 2024-02-09. Review status: criteria provided, single submitter. Criteria: ACMG Guidelines, 2015. Collection method: clinical testing. Allele origin: germline.

Women's Health and Genetics/Laboratory Corporation of America, LabCorp
Classification: Likely benign. Last evaluated: 2023-05-18. Review status: criteria provided, single submitter. Criteria: LabCorp Variant Classification Summary - May 2015. Collection method: clinical testing. Allele origin: germline.

GeneDx
Classification: Likely benign. Last evaluated: 2021-09-18. Review status: criteria provided, single submitter. Criteria: GeneDx Variant Classification Process June 2021. Collection method: clinical testing. Allele origin: germline. Affected: yes.
Comment: A variant of uncertain significance has been identified in the MYH11 gene. The A1824T variant has not been published as pathogenic or been reported as benign to our knowledge. This variant is observed in 0.1% alleles from individuals of African ancestry in large population cohorts, indicating it may be a rare benign variant in this population (Lek et al., 2016; 1000 Genomes Consortium et al., 2015; Exome Variant Server). In silico analysis is inconsistent in its predictions as to whether or not the variant is damaging to the protein structure/function. Nevertheless, the A1824T variant is a non-conservative amino acid substitution, which is likely to impact secondary protein structure as these residues differ in polarity, charge, size and/or other properties. This substitution occurs at a position that is conserved in mammals.

Color Diagnostics, LLC DBA Color Health
Classification: Likely benign for Familial thoracic aortic aneurysm and aortic dissection. Last evaluated: 2019-01-04. Review status: criteria provided, single submitter. Criteria: ACMG Guidelines, 2015. Collection method: clinical testing. Allele origin: germline.

CHEO Genetics Diagnostic Laboratory, Children's Hospital of Eastern Ontario
Classification: Uncertain significance for Familial thoracic aortic aneurysm and aortic dissection. Last evaluated: 2016-11-22. Review status: criteria provided, single submitter. Criteria: ACMG Guidelines, 2015. Collection method: clinical testing. Allele origin: germline. Study: Canadian Open Genetics Repository.

Center for Human Genetics, Inc
Classification: Uncertain significance for Connective tissue disorder. Last evaluated: 2016-11-01. Review status: criteria provided, single submitter. Criteria: ACMG Guidelines, 2015. Collection method: clinical testing. Allele origin: germline. Affected: yes.